The following is an entry in ClinVar:

NM_020928.2(ZSWIM6):c.2786G>A (p.Gly929Glu)

Gene: ZSWIM6 (zinc finger SWIM-type containing 6; plus strand). Cytogenetic location: 5q12.1.
Variant type: single nucleotide variant.
Coding change: c.2786G>A on transcript NM_020928.2 (MANE Select); coding-DNA position 2786, G replaced by A.
Protein change: p.Gly929Glu; replaces glycine 929 with glutamic acid.
Molecular consequence: missense variant.
Genome position (GRCh38, 1-based): chr5:61,543,455, G>A. VCF-style: chr5-61543455-G-A. GRCh37 (hg19) VCF-style: chr5-60839282-G-A.
Other names: NM_020928.2:c.2786G>A; short protein forms G929E.
Identifiers: ClinVar variation 3365030 (VCV003365030.2).

ClinVar aggregate classification (germline): Uncertain significance. Review status: criteria provided, multiple submitters, no conflicts (2 of 4 stars). 2 submissions from 2 submitters: Uncertain significance (2). Last evaluated 2026-08-12.

Conditions:
Neurodevelopmental disorder with movement abnormalities, abnormal gait, and autistic features. Identifiers: MedGen C4693405, MONDO:0060642, OMIM 617865.

Submissions (2):

Broad Center for Mendelian Genomics, Broad Institute of MIT and Harvard
Classification: Uncertain significance for Neurodevelopmental disorder with movement abnormalities, abnormal gait, and autistic features. Last evaluated: 2026-08-12. Review status: criteria provided, single submitter. Criteria: ACMG Guidelines, 2015. Collection method: research. Allele origin: germline. Inheritance: Autosomal dominant inheritance. Study: GREGoR Consortium.
Comment: The p.Gly929Glu variant in ZSWIM6 has not been previously reported in the literature in individuals with neurodevelopmental disorder, and was absent from large population studies. This variant has been reported in ClinVar (Variation ID: 3365030) and has been reported as a variant of uncertain significance by GeneDx. Computational prediction tools and conservation analyses suggest that this variant may impact the protein, though this information is not predictive enough to determine pathogenicity. The number of missense variants reported in ZSWIM6 in the general population is lower than expected, suggesting there is little benign variation in this gene and slightly increasing the possibility that a missense variant in this gene may not be tolerated. One additional likely pathogenic variant, resulting in a different amino acid change at the same position (p.Gly929Arg), has been reported in association with disease in ClinVar, slightly supporting that a change at this position may not be tolerated (Variation ID: 4680891). In summary, the clinical significance of the p.Gly929Glu variant is uncertain. ACMG/AMP Criteria applied: PP3, PP2, PM2_supporting, PM5_supporting (Richards 2015).

GeneDx
Classification: Uncertain significance. Last evaluated: 2023-11-29. Review status: criteria provided, single submitter. Criteria: GeneDx Variant Classification Process June 2021. Collection method: clinical testing. Allele origin: germline. Affected: yes.
Comment: Not observed at significant frequency in large population cohorts (gnomAD); In silico analysis supports that this missense variant has a deleterious effect on protein structure/function; Has not been previously published as pathogenic or benign to our knowledge